The following is an entry in ClinVar:

ClinVar aggregate classification (germline): Benign/Likely benign. Review status: criteria provided, multiple submitters, no conflicts (2 of 4 stars). 6 submissions from 6 submitters: Benign (1); Likely benign (4). 1 of the submissions does not count toward it. Last evaluated 2025-12-23.

Conditions:
MSH3-related disorder. Also called: MSH3-related condition.
Hereditary cancer-predisposing syndrome. Also called: Hereditary Cancer Syndrome; Tumor predisposition; Hereditary neoplastic syndrome; Neoplastic Syndromes, Hereditary. Identifiers: Orphanet 140162, MedGen C0027672, MeSH D009386, MONDO:0015356.

Allele frequency attached by ClinVar (database versions not stated): TOPMed below 0.00001; gnomAD 0.00001; gnomAD exomes 0.00004; ExAC 0.00006.
gnomAD v4.1: 65 of 1,612,272 alleles (0.004%); highest among the groups gnomAD compares: East Asian, 0.13%; no homozygotes.

Submissions (6):

Labcorp Genetics (formerly Invitae), Labcorp
Classification: Likely benign. Last evaluated: 2025-12-23. Review status: criteria provided, single submitter. Criteria: Invitae Variant Classification Sherloc (09022015). Collection method: clinical testing. Allele origin: germline.

Quest Diagnostics Nichols Institute San Juan Capistrano
Classification: Benign. Last evaluated: 2025-08-01. Review status: criteria provided, single submitter. Criteria: Quest Diagnostics criteria. Collection method: clinical testing. Allele origin: unknown.

Center for Genomic Medicine, Rigshospitalet, Copenhagen University Hospital
Classification: Likely benign. Last evaluated: 2025-03-04. Review status: criteria provided, single submitter. Criteria: ACMG Guidelines, 2015. Collection method: clinical testing. Allele origin: germline.

CeGaT Center for Human Genetics Tuebingen
Classification: Likely benign. Last evaluated: 2024-05-01. Review status: criteria provided, single submitter. Criteria: CeGaT Center For Human Genetics Tuebingen Variant Classification Criteria Version 2. Collection method: clinical testing. Allele origin: germline. Affected: yes. Observed: 1 variant allele.
Comment: MSH3: BP4, BP7

Ambry Genetics
Classification: Likely benign for Hereditary cancer-predisposing syndrome. Last evaluated: 2019-12-10. Review status: criteria provided, single submitter. Criteria: Ambry Variant Classification Scheme 2023. Collection method: clinical testing. Allele origin: germline.

PreventionGenetics, part of Exact Sciences
Classification: Likely benign for MSH3-related condition. Last evaluated: 2023-09-13. Review status: no assertion criteria provided. Collection method: clinical testing. Allele origin: germline. Not counted in ClinVar's aggregate classification.
Comment: This variant is classified as likely benign based on ACMG/AMP sequence variant interpretation guidelines (Richards et al. 2015 PMID: 25741868, with internal and published modifications).

NM_002439.5(MSH3):c.558G>A (p.Ser186=)

Gene: MSH3 (mutS homolog 3; plus strand). Cytogenetic location: 5q14.1.
Variant type: single nucleotide variant.
Coding change: c.558G>A on transcript NM_002439.5 (MANE Select); coding-DNA position 558, G replaced by A.
Protein change: p.Ser186=; no amino-acid change (serine 186 retained).
Molecular consequence: synonymous variant.
Genome position (GRCh38, 1-based): chr5:80,665,342, G>A. VCF-style: chr5-80665342-G-A. GRCh37 (hg19) VCF-style: chr5-79961161-G-A.
Identifiers: ClinVar variation 759608 (VCV000759608.39), dbSNP rs760604405, ClinGen allele CA3327633.